The following is an entry in ClinVar:

ClinVar aggregate classification (germline): Likely benign (1 of 4 stars; one submission).

gnomAD v4.1: 177 of 1,581,410 alleles (0.011%); highest among the groups gnomAD compares: South Asian, 0.19%; 3 homozygotes.

Submission:

CeGaT Center for Human Genetics Tuebingen
Classification: Likely benign. Last evaluated: 2026-01-01. Review status: criteria provided, single submitter. Criteria: CeGaT Center For Human Genetics Tuebingen Variant Classification Criteria Version 2. Collection method: clinical testing. Allele origin: germline. Affected: yes. Observed: 1 variant allele.
Comment: RORA: BP4, BP7, BS1

NM_134261.3(RORA):c.1404A>G (p.Thr468=)

Genes: RORA (RAR related orphan receptor A; minus strand), RORA-AS1 (RORA antisense RNA 1; plus strand). Cytogenetic location: 15q22.2.
Variant type: single nucleotide variant.
Coding change: c.1404A>G on transcript NM_134261.3 (MANE Select); coding-DNA position 1404, A replaced by G.
Protein change: p.Thr468=; no amino-acid change (threonine 468 retained).
Molecular consequence: synonymous variant.
Genome position (GRCh38, 1-based): chr15:60,499,895, T>C on the plus strand (A>G on the coding strand, the complement: RORA is on the minus strand). VCF-style: chr15-60499895-T-C. GRCh37 (hg19) VCF-style: chr15-60792094-T-C.
Other names: c.1479A>G, p.Thr493= (NM_002943.4); c.1503A>G, p.Thr501= (NM_134260.3); c.1239A>G, p.Thr413= (NM_134262.3).
Identifiers: ClinVar variation 4822044 (VCV004822044.4).